The following is an entry in ClinVar:

ClinVar aggregate classification (germline): Conflicting classifications of pathogenicity. Review status: criteria provided, conflicting classifications (1 of 4 stars). 6 submissions from 6 submitters: Uncertain significance (4); Likely benign (2). Last evaluated 2025-08-11.

Conditions:
Hereditary breast ovarian cancer syndrome. Also called: Hereditary breast and ovarian cancer syndrome (HBOC); Breast and ovarian cancer; Hereditary breast and ovarian cancer syndrome; Hereditary breast and ovarian cancer; BRCA1- and BRCA2-Associated Hereditary Breast and Ovarian Cancer; Hereditary breast and/or ovarian cancer syndrome. Identifiers: Orphanet 145, MedGen C0677776, MeSH D061325, MONDO:0003582. Disease mechanism: loss of function.
Breast-ovarian cancer, familial, susceptibility to, 1 (BROVCA1). Also called: BRCA1 Hereditary Breast and Ovarian Cancer; OVARIAN CANCER, SUSCEPTIBILITY TO. Identifiers: Orphanet 145, MedGen C2676676, MONDO:0011450, OMIM 604370. Disease mechanism: loss of function.
Hereditary cancer-predisposing syndrome. Also called: Hereditary Cancer Syndrome; Neoplastic Syndromes, Hereditary; Hereditary neoplastic syndrome; Tumor predisposition. Identifiers: Orphanet 140162, MedGen C0027672, MeSH D009386, MONDO:0015356.

Allele frequency attached by ClinVar (database versions not stated): gnomAD exomes below 0.00001; ExAC 0.00001.
gnomAD v4.1: 1 of 1,611,420 alleles (0.000062%); highest among the groups gnomAD compares: Admixed American, 0.0017%; no homozygotes.

Submissions (7):

Labcorp Genetics (formerly Invitae), Labcorp
Classification: Uncertain significance for Hereditary breast ovarian cancer syndrome. Last evaluated: 2025-08-11. Review status: criteria provided, single submitter. Criteria: Invitae Variant Classification Sherloc (09022015). Collection method: clinical testing. Allele origin: germline.
Comment: This sequence change replaces valine, which is neutral and non-polar, with leucine, which is neutral and non-polar, at codon 1719 of the BRCA1 protein (p.Val1719Leu). This variant is present in population databases (rs749465132, gnomAD 0.003%). This variant has not been reported in the literature in individuals affected with BRCA1-related conditions. ClinVar contains an entry for this variant (Variation ID: 245993). An algorithm developed to predict the effect of missense changes on protein structure and function (PolyPhen-2) suggests that this variant is likely to be disruptive. Experimental studies have shown that this missense change does not substantially affect BRCA1 function (PMID: 30209399, 30257991). In summary, the available evidence is currently insufficient to determine the role of this variant in disease. Therefore, it has been classified as a Variant of Uncertain Significance.

Lupski Lab, Baylor-Hopkins CMG, Baylor College of Medicine
Classification: Likely benign for Breast-ovarian cancer, familial, susceptibility to, 1. Last evaluated: 2024-04-12. Review status: criteria provided, single submitter. Criteria: Dawood et al. (medRxiv. 2024). Collection method: curation. Allele origin: germline.
Comment: Each variant was annotated with functional scores from MAVE data which was translated into functional evidence codes. All other evidence codes and combining criteria were adhered to as closely as possible based on the ClinGen VCEP (Variant Curation Expert Panel) gene-specific recommendations. See Supplemental Figure 34 of final paper (Supp Fig. 28 in preprint: doi:10.1101/2024.04.11.24305690) for a table to see which lines of evidence we did not have data for. The ClinGen VCEPs are highly regarded as the gold-standard for gene-specific variant curation and are developed after extensive evaluation of the evidence by clinical and scientific experts for the particular gene to classify genomic variants on a spectrum from pathogenic to benign using the 2015 ACMG/AMP Variant Interpretation Guidelines as a backbone (PMID: 25741868). Reclassification of these VUS variants from gnomAD or All of Us focused only on variants originally prescribed as VUS in ClinVar. To ensure reproducibility, transparency, and increased throughput, all the procedures for annotating variants and assigning evidence codes were codified using Python. All code has been made freely available and is linked in the Code Availability section and all reclassified variants with evidence codes used can be found in Tables S18-19 (preprint: doi:10.1101/2024.04.11.24305690). For the MAVE data, the clinical curation and clinical strength assignment as per the ClinGen recommendations in Brnich et al. (2020) (PMID: 31892348) for or against pathogenicity or benignity of each of these MAVE datasets utilized in this study were previously published in Fayer et al. (2021) (PMID: 34793697).In brief, for BRCA1 variants, if a variant was categorized as FUNC (functional), it was assigned BS3 evidence and no PS3 evidence, whereas if it was categorized as LOF (loss of function), the variant was assigned PS3 evidence and no BS3 evidence. Variants categorized as INT (intermediate) were left unannotated. For the BRCA1 combining criteria, greater than or equal to 1 criteria of strong benign evidence was enough to reclassify the VUS as Likely Benign. This variant GRCh38:17:43063371:C>A was assigned evidence codes ['BS3'] and an overall classification of Likely benign

Baylor Genetics
Classification: Uncertain significance for Breast-ovarian cancer, familial, susceptibility to, 1. Last evaluated: 2023-09-27. Review status: criteria provided, single submitter. Criteria: ACMG Guidelines, 2015. Collection method: clinical testing. Allele origin: unknown.

Ambry Genetics
Classification: Likely benign for Hereditary cancer-predisposing syndrome. Last evaluated: 2023-08-31. Review status: criteria provided, single submitter. Criteria: Ambry Variant Classification Scheme 2023. Collection method: clinical testing. Allele origin: germline.

All of Us Research Program, National Institutes of Health
Classification: Uncertain significance for Breast-ovarian cancer, familial, susceptibility to, 1. Last evaluated: 2023-05-30. Review status: criteria provided, single submitter. Criteria: ACMG Guidelines, 2015. Collection method: clinical testing. Allele origin: germline. Inheritance: Autosomal dominant inheritance. Observed: 1 variant allele, 1 heterozygote.
Comment: This missense variant replaces valine with leucine at codon 1719 of the BRCA1 protein. Computational prediction suggests that this variant may not impact protein structure and function (internally defined REVEL score threshold <= 0.5, PMID: 27666373). This variant has been reported to be functional in a haploid cell proliferation assay (PMID: 30209399). To our knowledge, this variant has not been reported in individuals affected with hereditary cancer in the literature. This variant has been identified in 1/250912 chromosomes in the general population by the Genome Aggregation Database (gnomAD). The available evidence is insufficient to determine the role of this variant in disease conclusively. Therefore, this variant is classified as a Variant of Uncertain Significance.

This study involves interpretation of variants in research participants for the purpose of population health screening. Participant phenotype was not available at the time of variant classification. Additional details can be found in publication PMID: 35346344, PMCID: PMC8962531

GeneDx
Classification: Uncertain significance. Last evaluated: 2018-03-13. Review status: criteria provided, single submitter. Criteria: GeneDx Variant Classification (06012015). Collection method: clinical testing. Allele origin: germline. Affected: yes.
Comment: This variant is denoted BRCA1 c.5155G>T at the cDNA level, p.Val1719Leu (V1719L) at the protein level, and results in the change of a Valine to a Leucine (GTG>TTG). Using alternate nomenclature, this variant would be defined as BRCA1 5274G>T. This variant has not, to our knowledge, been published in the literature as pathogenic or benign. BRCA1 Val1719Leu was not observed at a significant allele frequency in large population cohorts (Lek 2016). This variant is located in the BRCT1 domain and a region known to interact with multiple other proteins (Narod 2004, Paul 2014). In silico analysis, which includes protein predictors and evolutionary conservation, supports that this variant does not alter protein structure/function. Based on currently available evidence, it is unclear whether BRCA1 Val1719Leu is a pathogenic or benign variant. We consider it to be a variant of uncertain significance.

Brotman Baty Institute, University of Washington
No classification provided (evidence only). Condition: Breast-ovarian cancer, familial 1. Review status: no classification provided. Collection method: in vitro. Allele origin: not applicable. Functional consequence: functionally_normal. Not counted in ClinVar's aggregate classification.
ClinVar note: "not provided" was previously submitted as the classification for the variant. However, the classification appeared to be based only on an observation of functional data so it was converted to no classification on 2025-07-30.

Literature cited by the submitters: PubMed 30209399 (cited by 3 submitters); PubMed 30257991 (cited by Labcorp Genetics (formerly Invitae), Labcorp and Ambry Genetics); PubMed 39142283 (cited by Lupski Lab, Baylor-Hopkins CMG, Baylor College of Medicine); PubMed 34793697 (cited by Lupski Lab, Baylor-Hopkins CMG, Baylor College of Medicine); DOI 10.1101/2024.04.11.24305690 (cited by Lupski Lab, Baylor-Hopkins CMG, Baylor College of Medicine).

NM_007294.4(BRCA1):c.5155G>T (p.Val1719Leu)

Gene: BRCA1 (BRCA1 DNA repair associated; minus strand). Cytogenetic location: 17q21.31.
Variant type: single nucleotide variant.
Coding change: c.5155G>T on transcript NM_007294.4 (MANE Select); coding-DNA position 5155, G replaced by T.
Protein change: p.Val1719Leu; replaces valine 1719 with leucine.
Molecular consequence: missense variant. On other transcripts: non-coding transcript variant (1).
Genome position (GRCh38, 1-based): chr17:43,063,371, C>A on the plus strand (G>T on the coding strand, the complement: BRCA1 is on the minus strand). VCF-style: chr17-43063371-C-A. GRCh37 (hg19) VCF-style: chr17-41215388-C-A.
Other names: c.5032G>T, p.Val1678Leu (NM_001407667.1, NM_001407668.1, NM_001407669.1 and 6 more transcripts); c.5029G>T, p.Val1677Leu (NM_001407680.1, NM_001407939.1, NM_001407940.1 and 10 more transcripts); c.5026G>T, p.Val1676Leu (NM_001407681.1, NM_001407682.1, NM_001407683.1 and 6 more transcripts); c.5155G>T, p.Val1719Leu (NM_001407684.1, NM_001407854.1, NM_001407593.1 and 7 more transcripts); c.5014G>T, p.Val1672Leu (NM_001407725.1, NM_001407726.1, NM_001407727.1 and 13 more transcripts); c.5011G>T, p.Val1671Leu (NM_001407732.1, NM_001407733.1, NM_001407744.1 and 21 more transcripts); c.5008G>T, p.Val1670Leu (NM_001407849.1, NM_001407850.1, NM_001407851.1 and 12 more transcripts); c.5152G>T, p.Val1718Leu (NM_001407858.1, NM_001407859.1, NM_001407860.1 and 17 more transcripts); and 72 more; short protein forms V1719L, V1672L, V1740L, V615L, V1590L, V1592L, V1606L, V1647L.
Identifiers: ClinVar variation 245993 (VCV000245993.23), dbSNP rs749465132, ClinGen allele CA054068.
Genomic context (GRCh38, chr17:43,063,371, plus strand): 5'-GTTTGTAACATCAAGTACTTACCTCATTCAGCATTTTTCTTTCTTTAATAGACTGGGTCA[C>A]CCCTAAAGAGATCATAGAAAAGACAGGTTACATACAGCAGAAGAACGTGCTCTTTTCACG-3'
Protein context (NP_009225.1, residues 1709-1729): GGKWVVSYFW[Val1719Leu]TQSIKERKML